The following is an entry in ClinVar:

ClinVar aggregate classification (germline): Likely pathogenic (1 of 4 stars; one submission).

Conditions:
Congenital heart defects, dysmorphic facial features, and intellectual developmental disorder (CHDFIDD). Identifiers: Orphanet 646278, MedGen C4479246, MONDO:0044302, OMIM 617360.

Submission:

University of Washington Department of Laboratory Medicine, University of Washington
Classification: Likely pathogenic for Congenital heart defects, dysmorphic facial features, and intellectual developmental disorder. Last evaluated: 2022-02-07. Review status: criteria provided, single submitter. Criteria: ACMG Guidelines, 2015. Collection method: clinical testing. Allele origin: de novo. Affected: yes.
Comment: This variant was absent from large population databases, including the Genome Aggregation Database. The p.Ala859Pro variant is in the protein kinase domain of the CDK13 protein where disease-causing variants cluster; however it is not in the ATP binding domain or at the magnesium-binding site (Bostwick 2017). In silico tools predict that this variant is deleterious; however, these predictions have not been tested directly. Using ACMG guidelines, this variant was classified as a likely pathogenic variant (ACMG evidence codes used: PS2, PM1_supporting, PM2_supporting, PP3).

NM_003718.5(CDK13):c.2575G>C (p.Ala859Pro)

Gene: CDK13 (cyclin dependent kinase 13; plus strand). Cytogenetic location: 7p14.1.
Variant type: single nucleotide variant.
Coding change: c.2575G>C on transcript NM_003718.5 (MANE Select); coding-DNA position 2575, G replaced by C.
Protein change: p.Ala859Pro; replaces alanine 859 with proline.
Molecular consequence: missense variant.
Genome position (GRCh38, 1-based): chr7:40,047,852, G>C. VCF-style: chr7-40047852-G-C. GRCh37 (hg19) VCF-style: chr7-40087451-G-C.
Other names: c.2575G>C, p.Ala859Pro (NM_031267.4); short protein forms A859P.
Identifiers: ClinVar variation 3777164 (VCV003777164.1).